The following is an entry in ClinVar:

NM_000287.4(PEX6):c.510_511del (p.Asp172fs)

Gene: PEX6 (peroxisomal biogenesis factor 6; minus strand). Cytogenetic location: 6p21.1.
Variant type: Deletion.
Coding change: c.510_511del on transcript NM_000287.4 (MANE Select); coding-DNA positions 510 to 511, 2 bases deleted (TG; older notation c.510_511delTG).
Protein change: p.Asp172fs; shifts the reading frame from aspartic acid 172.
Molecular consequence: frameshift variant. On other transcripts: non-coding transcript variant (1).
Genome position (GRCh38, 1-based): chr6:42,978,640-42,978,641, CA deleted on the plus strand (TG on the coding strand, the reverse complement: PEX6 is on the minus strand). VCF-style (leftmost placement, unchanged base first): chr6-42978639-CCA-C. GRCh37 (hg19) VCF-style: chr6-42946377-CCA-C.
Other names: c.510_511del, p.Asp172fs (NM_001316313.2); short protein forms D172fs.
Identifiers: ClinVar variation 802216 (VCV000802216.6), dbSNP rs61753211, ClinGen allele CA3811611.

ClinVar aggregate classification (germline): Pathogenic. Review status: criteria provided, multiple submitters, no conflicts (2 of 4 stars). 2 submissions from 2 submitters: Pathogenic (2). Last evaluated 2023-06-03.

Conditions:
Peroxisome biogenesis disorder 4A (Zellweger) (PBD4A). Also called: Zellweger syndrome spectrum (PEX6-related). Identifiers: Orphanet 912, MedGen C3553936, MONDO:0013930, OMIM 614862. Disease mechanism: loss of function.
Peroxisome biogenesis disorder. Identifiers: Orphanet 79189, MedGen C1832200, MONDO:0019234. Disease mechanism: loss of function.

Allele frequency attached by ClinVar (database versions not stated): gnomAD exomes below 0.00001 and 0.00001; ExAC 0.00002.

Submissions (2):

Labcorp Genetics (formerly Invitae), Labcorp
Classification: Pathogenic for Peroxisome biogenesis disorder. Last evaluated: 2023-06-03. Review status: criteria provided, single submitter. Criteria: Invitae Variant Classification Sherloc (09022015). Collection method: clinical testing. Allele origin: germline.
Comment: This sequence change creates a premature translational stop signal (p.Asp172Glnfs*69) in the PEX6 gene. It is expected to result in an absent or disrupted protein product. Loss-of-function variants in PEX6 are known to be pathogenic (PMID: 8670792, 19877282, 21031596). This variant is present in population databases (no rsID available, gnomAD 0.004%). This variant has not been reported in the literature in individuals affected with PEX6-related conditions. ClinVar contains an entry for this variant (Variation ID: 802216). For these reasons, this variant has been classified as Pathogenic.

Mendelics
Classification: Pathogenic for Peroxisome biogenesis disorder 4A (Zellweger). Last evaluated: 2019-05-28. Review status: criteria provided, single submitter. Criteria: Mendelics Assertion Criteria 2017. Collection method: clinical testing. Allele origin: unknown.

Literature cited by the submitters: PubMed 8670792 (cited by Labcorp Genetics (formerly Invitae), Labcorp); PubMed 19877282 (cited by Labcorp Genetics (formerly Invitae), Labcorp); PubMed 21031596 (cited by Labcorp Genetics (formerly Invitae), Labcorp).